The following is an entry in ClinVar:

ClinVar aggregate classification (germline): Likely pathogenic (0 of 4 stars; one submission).

Conditions:
Retinitis pigmentosa 3. Also called: CHOROIDORETINAL DEGENERATION WITH RETINAL REFLEX IN HETEROZYGOUS WOMEN. Identifiers: Orphanet 791, MedGen C1845667, MONDO:0010227, OMIM 300029.

Submission:

Department of Medical Genetics, Unidade Local de Saúde de Coimbra
Classification: Likely pathogenic for Retinitis pigmentosa 3. Review status: no assertion criteria provided. Collection method: clinical testing. Allele origin: inherited. Inheritance: X-linked inheritance. Affected: yes. Observed: 3 variant alleles, 2 heterozygotes, 1 hemizygote.
Comment: The c.813dup variant in RPGR was identified in a Portuguese family affected by X‑linked retinitis pigmentosa (XLRP). It segregated with the disease in 3 affected relatives and was not detected in large population databases.

Literature cited by the submitters: PubMed 42521440.

NM_001034853.2(RPGR):c.813dup (p.Gly272fs)

Gene: RPGR (retinitis pigmentosa GTPase regulator; minus strand). Cytogenetic location: Xp11.4.
Variant type: Duplication.
Coding change: c.813dup on transcript NM_001034853.2 (MANE Select); coding-DNA position 813, one base duplicated (T; older notation c.813dupT).
Protein change: p.Gly272fs; shifts the reading frame from glycine 272.
Molecular consequence: frameshift variant. On other transcripts: non-coding transcript variant (5).
Genome position (GRCh38, 1-based): chrX:38,304,756, A duplicated on the plus strand (T on the coding strand, the reverse complement: RPGR is on the minus strand); the first of 3 consecutive A bases (chrX:38,304,756-38,304,758); duplicating any one gives the same sequence. VCF-style (leftmost placement, unchanged base first): chrX-38304755-C-CA. GRCh37 (hg19) VCF-style: chrX-38164008-C-CA.
Other names: c.813dup, p.Gly272fs (NM_000328.3, NM_001367246.1, NM_001367247.1 and 1 more transcripts); c.810dup, p.Gly271fs (NM_001367245.1, NM_001367249.1, NM_001367250.1); c.843dup, p.Gly282fs (NM_001367248.1); short protein forms G271fs, G272fs, G282fs.
Identifiers: ClinVar variation 4856788 (VCV004856788.1).